The following is an entry in ClinVar:

ClinVar aggregate classification (germline): Likely benign (1 of 4 stars; one submission).

Allele frequency attached by ClinVar (database versions not stated): 1000 Genomes Project 0.00300; 1000 Genomes Project 30x 0.00312; gnomAD 0.00415; TOPMed 0.00454; gnomAD exomes 0.00578.
gnomAD v4.1: 8,024 of 1,450,040 alleles (0.55%); highest among the groups gnomAD compares: Non-Finnish European, 0.67%; 26 homozygotes.

Submission:

CeGaT Center for Human Genetics Tuebingen
Classification: Likely benign. Last evaluated: 2026-06-01. Review status: criteria provided, single submitter. Criteria: CeGaT Center For Human Genetics Tuebingen Variant Classification Criteria Version 2. Collection method: clinical testing. Allele origin: germline. Affected: yes. Observed: 2 variant alleles.
Comment: BCR: BS2

NM_004327.4(BCR):c.3322+128T>C

Gene: BCR (BCR activator of RhoGEF and GTPase; plus strand). Cytogenetic location: 22q11.23.
Variant type: single nucleotide variant.
Coding change: c.3322+128T>C on transcript NM_004327.4 (MANE Select); 128 bases into the intron after coding-DNA position 3322, T replaced by C.
Molecular consequence: intron variant.
Genome position (GRCh38, 1-based): chr22:23,311,964, T>C. VCF-style: chr22-23311964-T-C. GRCh37 (hg19) VCF-style: chr22-23654151-T-C.
Other names: c.3190+128T>C (NM_021574.3).
Identifiers: ClinVar variation 2652965 (VCV002652965.24), dbSNP rs188812412, ClinGen allele CA322520789.